The following is an entry in ClinVar:

ClinVar aggregate classification (germline): Uncertain significance (1 of 4 stars; one submission).

Submission:

Labcorp Genetics (formerly Invitae), Labcorp
Classification: Uncertain significance. Last evaluated: 2021-06-29. Review status: criteria provided, single submitter. Criteria: Invitae Variant Classification Sherloc (09022015). Collection method: clinical testing. Allele origin: germline.
Comment: This variant is not present in population databases (ExAC no frequency). In summary, the available evidence is currently insufficient to determine the role of this variant in disease. Therefore, it has been classified as a Variant of Uncertain Significance. Algorithms developed to predict the effect of missense changes on protein structure and function are either unavailable or do not agree on the potential impact of this missense change (SIFT: "Deleterious"; PolyPhen-2: "Possibly Damaging"; Align-GVGD: "Class C0"). This variant has not been reported in the literature in individuals affected with TAB2-related conditions. This sequence change replaces glutamine with histidine at codon 504 of the TAB2 protein (p.Gln504His). The glutamine residue is highly conserved and there is a small physicochemical difference between glutamine and histidine.

NM_001292034.3(TAB2):c.1512G>C (p.Gln504His)

Genes: TAB2 (TGF-beta activated kinase 1 (MAP3K7) binding protein 2; plus strand), LOC126859827 (BRD4-independent group 4 enhancer GRCh37_chr6:149699707-149700906; plus strand). Cytogenetic location: 6q25.1.
Variant type: single nucleotide variant.
Coding change: c.1512G>C on transcript NM_001292034.3 (MANE Select); coding-DNA position 1512, G replaced by C.
Protein change: p.Gln504His; replaces glutamine 504 with histidine.
Molecular consequence: missense variant.
Genome position (GRCh38, 1-based): chr6:149,379,427, G>C. VCF-style: chr6-149379427-G-C. GRCh37 (hg19) VCF-style: chr6-149700563-G-C.
Other names: c.1416G>C, p.Gln472His (NM_001292035.3); c.1512G>C, p.Gln504His (NM_001369506.1, NM_015093.6); short protein forms Q504H, Q472H.
Identifiers: ClinVar variation 1484853 (VCV001484853.8), dbSNP rs773739464, ClinGen allele CA365999800.